The following is an entry in ClinVar:

NM_052947.4(ALPK2):c.1288A>G (p.Thr430Ala)

Gene: ALPK2 (alpha kinase 2; minus strand). Cytogenetic location: 18q21.31.
Variant type: single nucleotide variant.
Coding change: c.1288A>G on transcript NM_052947.4 (MANE Select); coding-DNA position 1288, A replaced by G.
Protein change: p.Thr430Ala; replaces threonine 430 with alanine.
Molecular consequence: missense variant.
Genome position (GRCh38, 1-based): chr18:58,579,488, T>C on the plus strand (A>G on the coding strand, the complement: ALPK2 is on the minus strand). VCF-style: chr18-58579488-T-C. GRCh37 (hg19) VCF-style: chr18-56246720-T-C.
Other names: short protein forms T430A.
Identifiers: ClinVar variation 3228565 (VCV003228565.1), dbSNP rs1245582625, ClinGen allele CA402563662.

ClinVar aggregate classification (germline): Uncertain significance (1 of 4 stars; one submission).

Submission:

Ambry Genetics
Classification: Uncertain significance. Last evaluated: 2024-01-05. Review status: criteria provided, single submitter. Criteria: Ambry Variant Classification Scheme 2023. Collection method: clinical testing. Allele origin: germline.
Comment: The p.T430A variant (also known as c.1288A>G), located in coding exon 3 of the ALPK2 gene, results from an A to G substitution at nucleotide position 1288. The threonine at codon 430 is replaced by alanine, an amino acid with similar properties. This amino acid position is conserved. In addition, this alteration is predicted to be tolerated by in silico analysis. Since supporting evidence is limited at this time, the clinical significance of this alteration remains unclear.